The following is an entry in ClinVar:

NM_000553.6(WRN):c.3661C>T (p.His1221Tyr)

Gene: WRN (WRN RecQ like helicase; plus strand). Cytogenetic location: 8p12.
Variant type: single nucleotide variant.
Coding change: c.3661C>T on transcript NM_000553.6 (MANE Select); coding-DNA position 3661, C replaced by T.
Protein change: p.His1221Tyr; replaces histidine 1221 with tyrosine.
Molecular consequence: missense variant.
Genome position (GRCh38, 1-based): chr8:31,150,429, C>T. VCF-style: chr8-31150429-C-T. GRCh37 (hg19) VCF-style: chr8-31007945-C-T.
Other names: short protein forms H1221Y.
Identifiers: ClinVar variation 658139 (VCV000658139.5), dbSNP rs1173875881, ClinGen allele CA370928016.

ClinVar aggregate classification (germline): Uncertain significance (1 of 4 stars; one submission).

Conditions:
Werner syndrome (WRN). Identifiers: Orphanet 902, MedGen C0043119, MONDO:0010196, OMIM 277700.

Allele frequency attached by ClinVar (database versions not stated): gnomAD exomes below 0.00001; TOPMed 0.00001.

Submission:

Labcorp Genetics (formerly Invitae), Labcorp
Classification: Uncertain significance for Werner syndrome. Last evaluated: 2021-09-19. Review status: criteria provided, single submitter. Criteria: Invitae Variant Classification Sherloc (09022015). Collection method: clinical testing. Allele origin: germline.
Comment: This sequence change replaces histidine with tyrosine at codon 1221 of the WRN protein (p.His1221Tyr). The histidine residue is weakly conserved and there is a moderate physicochemical difference between histidine and tyrosine. This variant is not present in population databases (ExAC no frequency). This variant has not been reported in the literature in individuals affected with WRN-related conditions. Algorithms developed to predict the effect of missense changes on protein structure and function (SIFT, PolyPhen-2, Align-GVGD) all suggest that this variant is likely to be tolerated. In summary, the available evidence is currently insufficient to determine the role of this variant in disease. Therefore, it has been classified as a Variant of Uncertain Significance.